The following is an entry in ClinVar:

ClinVar aggregate classification (germline): Pathogenic/Likely pathogenic. Review status: criteria provided, multiple submitters, no conflicts (2 of 4 stars). 9 submissions from 9 submitters: Pathogenic (2); Likely pathogenic (5). 2 of the submissions do not count toward it. Last evaluated 2025-11-05.

Conditions:
Salla disease (SD). Also called: Less Severe FSASD (Salla Disease); Sialuria, Finnish type; N-acetylneuraminic acid (NANA) storage disease (NSD); Infantile sialic acid storage disorder (ISSD). Identifiers: Orphanet 309334, Orphanet 834, MedGen C1096903, MONDO:0011449, OMIM 604369.
Sialic acid storage disease, severe infantile type (ISSD). Also called: SIALURIA, INFANTILE FORM; INFANTILE SIALIC ACID STORAGE DISORDER; N-ACETYLNEURAMINIC ACID STORAGE DISEASE; NANA STORAGE DISEASE; Infantile Sialic Acid Storage Disease; Free sialic acid storage disease, infantile form. Identifiers: Orphanet 309324, Orphanet 834, MedGen C1096902, MONDO:0010027, OMIM 269920.

Allele frequency attached by ClinVar (database versions not stated): gnomAD 0.00002; gnomAD exomes 0.00002; TOPMed 0.00002; ExAC 0.00002.

Submissions (9):

Natera, Inc.
Classification: Likely pathogenic for Salla disease. Last evaluated: 2025-11-05. Review status: criteria provided, single submitter. Criteria: Natera Variant Classification Schema (03/2026). Collection method: clinical testing. Allele origin: germline.
Comment: The c.291G>A variant in SLC17A5 is a synonymous variant that does not alter the encoded amino acid at position 97 (p.T97=). This variant is rare in the general population with a frequency below the threshold expected for the associated phenotype(s). This variant has been observed in one or more individuals affected with the associated recessive disease, as either homozygous or compound heterozygous with a second variant (PMID: 15172001, 20101035, 28662915, 39991440). Functional studies show that this variant may disrupt protein function (PMID: 15172001). Computational prediction algorithms indicate this variant is likely to affect gene or protein function. Given the available evidence, this variant is classified as Likely Pathogenic.

Labcorp Genetics (formerly Invitae), Labcorp
Classification: Pathogenic for Salla disease. Last evaluated: 2025-05-19. Review status: criteria provided, single submitter. Criteria: Invitae Variant Classification Sherloc (09022015). Collection method: clinical testing. Allele origin: germline.
Comment: This sequence change affects codon 97 of the SLC17A5 mRNA. It is a 'silent' change, meaning that it does not change the encoded amino acid sequence of the SLC17A5 protein. RNA analysis indicates that this variant induces altered splicing and may result in an absent or altered protein product. This variant is present in population databases (rs386833990, gnomAD 0.004%). This variant has been observed in individual(s) with free sialic acid storage disease (PMID: 28662915, 28771251). In at least one individual the data is consistent with being in trans (on the opposite chromosome) from a pathogenic variant. ClinVar contains an entry for this variant (Variation ID: 56554). Variants that disrupt the consensus splice site are a relatively common cause of aberrant splicing (PMID: 17576681, 9536098). Studies have shown that this variant results in deletion of the 197 bases of exon 2, and produces a non-functional protein and/or introduces a premature termination codon (PMID: 15172001). For these reasons, this variant has been classified as Pathogenic.

Baylor Genetics
Classification: Pathogenic for Salla disease. Last evaluated: 2024-03-21. Review status: criteria provided, single submitter. Criteria: ACMG Guidelines, 2015. Collection method: clinical testing. Allele origin: unknown.

Fulgent Genetics
Classification: Likely pathogenic for Sialic acid storage disease, severe infantile type; Salla disease. Last evaluated: 2024-03-20. Review status: criteria provided, single submitter. Criteria: ACMG Guidelines, 2015. Collection method: clinical testing. Allele origin: germline.

Mayo Clinic Laboratories, Mayo Clinic
Classification: Likely pathogenic. Last evaluated: 2022-08-24. Review status: criteria provided, single submitter. Criteria: ACMG Guidelines, 2015. Collection method: clinical testing. Allele origin: germline. Observed: 1 variant allele.
Comment: PP4, PM2, PM3_strong

Genome-Nilou Lab
Classification: Likely pathogenic for Salla disease. Last evaluated: 2021-09-05. Review status: criteria provided, single submitter. Criteria: ACMG Guidelines, 2015. Collection method: clinical testing. Allele origin: germline. Affected: no.

GeneDx
Classification: Likely pathogenic. Last evaluated: 2020-05-28. Review status: criteria provided, single submitter. Criteria: GeneDx Variant Classification Process June 2021. Collection method: clinical testing. Allele origin: germline. Affected: yes.
Comment: In silico analysis, which includes splice predictors and evolutionary conservation, suggests this variant may impact gene splicing. In the absence of RNA/functional studies, the actual effect of this sequence change is unknown.; Not observed at a significant frequency in large population cohorts (Lek et al., 2016); This variant is associated with the following publications: (PMID: 20101035, 25085675, 15172001, 28662915, 28771251)

Counsyl
Classification: Likely pathogenic for Salla disease. Last evaluated: 2017-09-18. Review status: no assertion criteria provided. Collection method: clinical testing. Allele origin: unknown. Not counted in ClinVar's aggregate classification.

Juha Muilu Group; Institute for Molecular Medicine Finland (FIMM)
Classification: Likely pathogenic for Salla disease. Review status: no assertion criteria provided. Collection method: not provided. Allele origin: unknown. Not counted in ClinVar's aggregate classification.
Comment: FinDis database variant: This variant was not found or characterized by our laboratory, data were collected from public sources: see reference
ClinVar note: Converted during submission from probable-pathogenic to Likely pathogenic.

Literature cited by the submitters: PubMed 15172001 (cited by 4 submitters); PubMed 20101035 (cited by 3 submitters); PubMed 28662915 (cited by 4 submitters); PubMed 39991440 (cited by Natera, Inc.); PubMed 28771251 (cited by Labcorp Genetics (formerly Invitae), Labcorp and Mayo Clinic Laboratories, Mayo Clinic); PubMed 17576681 (cited by Labcorp Genetics (formerly Invitae), Labcorp); PubMed 9536098 (cited by Labcorp Genetics (formerly Invitae), Labcorp); PubMed 25085675 (cited by Mayo Clinic Laboratories, Mayo Clinic and Counsyl).

NM_012434.5(SLC17A5):c.291G>A (p.Thr97=)

Gene: SLC17A5 (solute carrier family 17 member 5; minus strand). Cytogenetic location: 6q13.
Variant type: single nucleotide variant.
Coding change: c.291G>A on transcript NM_012434.5 (MANE Select); coding-DNA position 291, G replaced by A.
Protein change: p.Thr97=; no amino-acid change (threonine 97 retained).
Molecular consequence: synonymous variant.
Genome position (GRCh38, 1-based): chr6:73,644,407, C>T on the plus strand (G>A on the coding strand, the complement: SLC17A5 is on the minus strand). VCF-style: chr6-73644407-C-T. GRCh37 (hg19) VCF-style: chr6-74354130-C-T.
Other names: p.Thr97=.
Identifiers: ClinVar variation 56554 (VCV000056554.19), dbSNP rs386833990, ClinGen allele CA263923.
Genomic context (GRCh38, chr6:73,644,407, plus strand): 5'-ATTTTTACTTGCAAGTATTTTAGGATAATTAAAATTGTTTCCTTAAAAAATAGCACCTAC[C>T]GTTTGATTATGATGAACTTTTATGGGAGCAGAATGCTCTGGACACGCCTTGGAAGTTCTA-3'
Protein context (NP_036566.1, residues 87-107): SAPIKVHHNQ[Thr97=]GKKYQWDAET